The following is an entry in ClinVar:

ClinVar aggregate classification (germline): Uncertain significance (1 of 4 stars; one submission).

Conditions:
ISL1-related disorder. Also called: ISL1-related condition.

gnomAD v4.1: 20 of 1,614,008 alleles (0.0012%); highest among the groups gnomAD compares: Non-Finnish European, 0.0017%; no homozygotes.

Submission:

PreventionGenetics, part of Exact Sciences
Classification: Uncertain significance for ISL1-related condition. Last evaluated: 2025-04-10. Review status: criteria provided, single submitter. Criteria: ACMG Guidelines, 2015. Collection method: clinical testing. Allele origin: germline.
Comment: The ISL1 c.977G>A variant is predicted to result in the amino acid substitution p.Ser326Asn. To our knowledge, this variant has not been reported in the literature or in a large population database (gnomAD), indicating this variant is rare. At this time, the clinical significance of this variant is uncertain due to the absence of conclusive functional and genetic evidence.

NM_002202.3(ISL1):c.977G>A (p.Ser326Asn)

Gene: ISL1 (ISL LIM homeobox 1; plus strand). Cytogenetic location: 5q11.1.
Variant type: single nucleotide variant.
Coding change: c.977G>A on transcript NM_002202.3 (MANE Select); coding-DNA position 977, G replaced by A.
Protein change: p.Ser326Asn; replaces serine 326 with asparagine.
Molecular consequence: missense variant.
Genome position (GRCh38, 1-based): chr5:51,393,537, G>A. VCF-style: chr5-51393537-G-A. GRCh37 (hg19) VCF-style: chr5-50689371-G-A.
Other names: short protein forms S326N.
Identifiers: ClinVar variation 4988138 (VCV004988138.1).
Genomic context (GRCh38, chr5:51,393,537, plus strand): 5'-CTCAACCTTCTATGCAGGTCAATTTTTCAGAAGGAGGACCGGGCTCTAATTCCACTGGCA[G>A]TGAAGTAGCATCAATGTCCTCTCAACTTCCAGATACACCTAACAGCATGGTAGCCAGTCC-3'
Protein context (NP_002193.2, residues 316-336): EGGPGSNSTG[Ser326Asn]EVASMSSQLP